The following is an entry in ClinVar:

NM_001395413.1(POR):c.646T>G (p.Phe216Val)

Gene: POR (cytochrome p450 oxidoreductase; plus strand). Cytogenetic location: 7q11.23.
Variant type: single nucleotide variant.
Coding change: c.646T>G on transcript NM_001395413.1 (MANE Select); coding-DNA position 646, T replaced by G.
Protein change: p.Phe216Val; replaces phenylalanine 216 with valine.
Molecular consequence: missense variant.
Genome position (GRCh38, 1-based): chr7:75,981,530, T>G. VCF-style: chr7-75981530-T-G. GRCh37 (hg19) VCF-style: chr7-75610848-T-G.
Other names: c.646T>G, p.Phe216Val (NM_001382657.2, NM_001382658.3, NM_001382659.3 and 2 more transcripts); c.700T>G, p.Phe234Val (NM_001382655.3); short protein forms F216V, F234V.
Identifiers: ClinVar variation 1328180 (VCV001328180.5), dbSNP rs1789043381, ClinGen allele CA367748248.

ClinVar aggregate classification (germline): Uncertain significance (1 of 4 stars; one submission).

Conditions:
Congenital adrenal hyperplasia due to cytochrome P450 oxidoreductase deficiency. Also called: DISORDERED STEROIDOGENESIS DUE TO POR DEFICIENCY. Identifiers: Orphanet 95699, MedGen C1860042, MONDO:0013310, OMIM 613571.

Allele frequency attached by ClinVar (database versions not stated): gnomAD exomes below 0.00001; TOPMed below 0.00001.
gnomAD v4.1: 1 of 1,612,682 alleles (0.000062%); highest among the groups gnomAD compares: Non-Finnish European, 0.000085%; no homozygotes.

Submission:

Illumina Laboratory Services, Illumina
Classification: Uncertain significance for Congenital adrenal hyperplasia due to cytochrome P450 oxidoreductase deficiency. Last evaluated: 2021-10-14. Review status: criteria provided, single submitter. Criteria: ICSLVariantClassificationCriteria RUGD 01 April 2020. Collection method: clinical testing. Allele origin: unknown.
Comment: The POR c.655T>G (p.Phe219Val) variant is a missense variant. A literature search was performed for the gene, cDNA change, and amino acid change. No publications were found based on this search. This variant is not found in version 2.1.1 or version 3.1.1 of the Genome Aggregation Database despite its location in a region of good sequence coverage, which suggests the variant is rare. Multiple lines of computational evidence suggest suggest that this variant is likely to have a deleterious impact on the protein. Based on the available evidence, the p.Phe219Val variant is classified as a variant of uncertain significance for cytochrome P450 oxidoreductase deficiency with or without Antley-Bixler syndrome.